The following is an entry in ClinVar:

NM_004369.4(COL6A3):c.9330T>A (p.Asp3110Glu)

Gene: COL6A3 (collagen type VI alpha 3 chain; minus strand). Cytogenetic location: 2q37.3.
Variant type: single nucleotide variant.
Coding change: c.9330T>A on transcript NM_004369.4 (MANE Select); coding-DNA position 9330, T replaced by A.
Protein change: p.Asp3110Glu; replaces aspartic acid 3110 with glutamic acid.
Molecular consequence: missense variant.
Genome position (GRCh38, 1-based): chr2:237,325,723, A>T on the plus strand (T>A on the coding strand, the complement: COL6A3 is on the minus strand). VCF-style: chr2-237325723-A-T. GRCh37 (hg19) VCF-style: chr2-238234366-A-T.
Other names: c.7509T>A, p.Asp2503Glu (NM_057166.5); c.8712T>A, p.Asp2904Glu (NM_057167.4); short protein forms D3110E, D2904E, D2503E.
Identifiers: ClinVar variation 391584 (VCV000391584.2), dbSNP rs1057524148, ClinGen allele CA16604164.

ClinVar aggregate classification (germline): Uncertain significance (1 of 4 stars; one submission).

Submission:

GeneDx
Classification: Uncertain significance. Last evaluated: 2016-12-29. Review status: criteria provided, single submitter. Criteria: GeneDx Variant Classification (06012015). Collection method: clinical testing. Allele origin: germline. Affected: yes.
Comment: The D3110E variant in the COL6A3 gene has not been reported previously as a pathogenic variant, nor as a benign variant, to our knowledge. The D3110E variant was not observed in approximately 6,500 individuals of European and African American ancestry in the NHLBI Exome Sequencing Project, indicating it is not a common benign variant in these populations. The D3110E variant is a conservative amino acid substitution, which is not likely to impact secondary protein structure as these residues share similar properties. This substitution occurs at a position that is conserved across species. In silico analysis is inconsistent in its predictions as to whether or not the variant is damaging to the protein structure/function. We interpret D3110E as a variant of uncertain significance.